The following is an entry in ClinVar:

ClinVar aggregate classification (germline): Uncertain significance (1 of 4 stars; one submission).

Conditions:
Hereditary diffuse gastric adenocarcinoma (HDGC). Also called: DIFFUSE GASTRIC AND LOBULAR BREAST CANCER SYNDROME. Identifiers: Orphanet 26106, MedGen C1708349, MONDO:0007648, OMIM 137215.

Submission:

Labcorp Genetics (formerly Invitae), Labcorp
Classification: Uncertain significance for Hereditary diffuse gastric adenocarcinoma. Last evaluated: 2020-06-24. Review status: criteria provided, single submitter. Criteria: Invitae Variant Classification Sherloc (09022015). Collection method: clinical testing. Allele origin: germline.
Comment: This variant is not present in population databases (ExAC no frequency). In summary, the available evidence is currently insufficient to determine the role of this variant in disease. Therefore, it has been classified as a Variant of Uncertain Significance. Algorithms developed to predict the effect of missense changes on protein structure and function (SIFT, PolyPhen-2, Align-GVGD) all suggest that this variant is likely to be disruptive, but these predictions have not been confirmed by published functional studies and their clinical significance is uncertain. This variant has not been reported in the literature in individuals with CDH1-related conditions. This sequence change replaces leucine with arginine at codon 548 of the CDH1 protein (p.Leu548Arg). The leucine residue is moderately conserved and there is a moderate physicochemical difference between leucine and arginine.

NM_004360.5(CDH1):c.1643T>G (p.Leu548Arg)

Gene: CDH1 (cadherin 1; plus strand). Cytogenetic location: 16q22.1.
Variant type: single nucleotide variant.
Coding change: c.1643T>G on transcript NM_004360.5 (MANE Select); coding-DNA position 1643, T replaced by G.
Protein change: p.Leu548Arg; replaces leucine 548 with arginine.
Molecular consequence: missense variant. On other transcripts: intron variant (1).
Genome position (GRCh38, 1-based): chr16:68,819,357, T>G. VCF-style: chr16-68819357-T-G. GRCh37 (hg19) VCF-style: chr16-68853260-T-G.
Other names: c.-254-2644T>G (NM_001317186.2); c.1460T>G, p.Leu487Arg (NM_001317184.2); c.95T>G, p.Leu32Arg (NM_001317185.2); short protein forms L32R, L487R, L548R.
Identifiers: ClinVar variation 1019476 (VCV001019476.9), dbSNP rs747801796, ClinGen allele CA396465189.